The following is an entry in ClinVar:

ClinVar aggregate classification (germline): Uncertain significance. Review status: criteria provided, single submitter (1 of 4 stars). 2 submissions from 2 submitters: Uncertain significance (1). 1 of the submissions does not count toward it. Last evaluated 2022-07-14.

Conditions:
Retinitis pigmentosa 26 (RP26). Identifiers: Orphanet 791, MedGen C1842127, MONDO:0012024, OMIM 608380.

Allele frequency attached by ClinVar (database versions not stated): gnomAD exomes below 0.00001; ExAC 0.00001; gnomAD 0.00001.

Submissions (2):

Labcorp Genetics (formerly Invitae), Labcorp
Classification: Uncertain significance. Last evaluated: 2022-07-14. Review status: criteria provided, single submitter. Criteria: Invitae Variant Classification Sherloc (09022015). Collection method: clinical testing. Allele origin: germline.
Comment: This sequence change replaces arginine, which is basic and polar, with lysine, which is basic and polar, at codon 449 of the CERKL protein (p.Arg449Lys). This variant also falls at the last nucleotide of exon 11, which is part of the consensus splice site for this exon. This variant is not present in population databases (gnomAD no frequency). This variant has not been reported in the literature in individuals affected with CERKL-related conditions. ClinVar contains an entry for this variant (Variation ID: 1041260). Algorithms developed to predict the effect of missense changes on protein structure and function (SIFT, PolyPhen-2, Align-GVGD) all suggest that this variant is likely to be tolerated. Variants that disrupt the consensus splice site are a relatively common cause of aberrant splicing (PMID: 17576681, 9536098). Algorithms developed to predict the effect of sequence changes on RNA splicing suggest that this variant may disrupt the consensus splice site. In summary, the available evidence is currently insufficient to determine the role of this variant in disease. Therefore, it has been classified as a Variant of Uncertain Significance.

Natera, Inc.
Classification: Uncertain significance for Retinitis Pigmentosa 26. Last evaluated: 2021-09-21. Review status: no assertion criteria provided. Collection method: clinical testing. Allele origin: germline. Not counted in ClinVar's aggregate classification.

Literature cited by the submitters: PubMed 17576681 (cited by Labcorp Genetics (formerly Invitae), Labcorp); PubMed 9536098 (cited by Labcorp Genetics (formerly Invitae), Labcorp).

NM_201548.5(CERKL):c.1268G>A (p.Arg423Lys)

Gene: CERKL (CERK like autophagy regulator; minus strand). Cytogenetic location: 2q31.3.
Variant type: single nucleotide variant.
Coding change: c.1268G>A on transcript NM_201548.5 (MANE Select); coding-DNA position 1268, G replaced by A.
Protein change: p.Arg423Lys; replaces arginine 423 with lysine.
Molecular consequence: missense variant. On other transcripts: non-coding transcript variant (2).
Genome position (GRCh38, 1-based): chr2:181,547,618, C>T on the plus strand (G>A on the coding strand, the complement: CERKL is on the minus strand). VCF-style: chr2-181547618-C-T. GRCh37 (hg19) VCF-style: chr2-182412345-C-T.
Other names: c.1346G>A, p.Arg449Lys (NM_001030311.3); c.929G>A, p.Arg310Lys (NM_001030312.3); c.1061G>A, p.Arg354Lys (NM_001030313.3); c.1214G>A, p.Arg405Lys (NM_001160277.2); short protein forms R405K, R310K, R423K, R449K, R354K.
Identifiers: ClinVar variation 1041260 (VCV001041260.8), dbSNP rs755105366, ClinGen allele CA2010492.